The following is an entry in ClinVar:

ClinVar aggregate classification (germline): Likely benign. Review status: criteria provided, single submitter (1 of 4 stars). 3 submissions from 2 submitters: Likely benign (1). 2 of the submissions do not count toward it. Last evaluated 2024-09-09.

Conditions:
CDKL5 disorder. Identifiers: MedGen CN296942, MONDO:0100039.

Submissions (3):

Centre for Population Genomics, CPG
Classification: Likely benign for CDKL5 disorder. Last evaluated: 2024-09-09. Review status: criteria provided, single submitter. Criteria: McKnight et al. (Hum Mutat. 2022). Collection method: curation. Allele origin: germline. Inheritance: X-linked inheritance.
Comment: This variant has been collected from RettBASE and curated to current modified ACMG/AMP criteria. Based on the classification scheme defined by the ClinGen Rett/Angelman-like Expert Panel for Rett/AS-like Disorders Specifications to the ACMG/AMP Variant Interpretation Guidelines VCEP 3.0, this variant is classified as likely benign. At least the following criteria are met: Synonymous or intronic variant outside donor and acceptor splice regions where splicing prediction algorithms do not support significant splicing alteration (spliceAI score <=0.1) (BP4, BP7).

RettBASE
Classification: Likely benign. Last evaluated: 2014-03-13. Review status: no assertion criteria provided. Collection method: curation. Allele origin: unknown. Observed: 1 variant allele. Not counted in ClinVar's aggregate classification.
Comment: Unlikely to be pathogenic, not predicted to change splicing; however, there is no empirical evidence for this

RettBASE
No classification provided. Review status: flagged submission. Collection method: not provided. Allele origin: not provided. Not counted in ClinVar's aggregate classification.
ClinVar note: Reason: This record appears to be redundant with a more recent record from the same submitter.
ClinVar note: Notes: SCV000189221 appears to be redundant with SCV000222285.

Literature cited by the submitters: PubMed 16611748 (cited by RettBASE).

NM_001323289.2(CDKL5):c.978-49_978-41del

Gene: CDKL5 (cyclin dependent kinase like 5; plus strand). Cytogenetic location: Xp22.13.
Variant type: Deletion.
Coding change: c.978-49_978-41del on transcript NM_001323289.2 (MANE Select); 49 bases into the intron before coding-DNA position 978 through 41 bases into the intron before coding-DNA position 978, 9 bases deleted (GTGTCAGCT; older notation c.978-49_978-41delGTGTCAGCT).
Molecular consequence: intron variant.
Genome position (GRCh38, 1-based): chrX:18,603,853-18,603,861, GTGTCAGCT deleted; deleting any 9 consecutive bases within chrX:18,603,852-18,603,861 gives the same sequence; the c. name uses the placement nearest the transcript's 3' end. VCF-style (leftmost placement, unchanged base first): chrX-18603851-GTGTGTCAGC-G. GRCh37 (hg19) VCF-style: chrX-18621971-GTGTGTCAGC-G.
Other names: c.978-49_978-41del (NM_003159.3, NM_001037343.2); c.978-49_978-41del9 (NM_003159.2).
Identifiers: ClinVar variation 189544 (VCV000189544.4), dbSNP rs267608554, ClinGen allele CA199364.